The following is an entry in ClinVar:

ClinVar aggregate classification (germline): Uncertain significance (1 of 4 stars; one submission).

gnomAD v4.1: 1 of 1,601,056 alleles (0.000062%); highest among the groups gnomAD compares: Admixed American, 0.0017%; no homozygotes.

Submission:

Mayo Clinic Laboratories, Mayo Clinic
Classification: Uncertain significance. Last evaluated: 2025-04-25. Review status: criteria provided, single submitter. Criteria: ACMG Guidelines, 2015. Collection method: clinical testing. Allele origin: germline. Observed: 1 variant allele.
Comment: BP4_moderate, PM2_supporting

NM_020401.4(NUP107):c.1765A>G (p.Ile589Val)

Gene: NUP107 (nucleoporin 107; plus strand). Cytogenetic location: 12q15.
Variant type: single nucleotide variant.
Coding change: c.1765A>G on transcript NM_020401.4 (MANE Select); coding-DNA position 1765, A replaced by G.
Protein change: p.Ile589Val; replaces isoleucine 589 with valine.
Molecular consequence: missense variant.
Genome position (GRCh38, 1-based): chr12:68,731,140, A>G. VCF-style: chr12-68731140-A-G. GRCh37 (hg19) VCF-style: chr12-69124920-A-G.
Other names: p.Ile589Val; c.1678A>G, p.Ile560Val (NM_001330192.2); short protein forms I560V, I589V.
Identifiers: ClinVar variation 4541735 (VCV004541735.1).
Genomic context (GRCh38, chr12:68,731,140, plus strand): 5'-GACATACTTTGATCTTTTTCTATTTTTTAGCTTTTAATAAGAGAGAAACATACAAATCTT[A>G]TAGCATTTTATACCTGTCATTTGCCTCAAGACCTAGCTGTTGCCCAGTATGCATTATTTT-3'
Protein context (NP_065134.1, residues 579-599): LLIREKHTNL[Ile589Val]AFYTCHLPQD